The following is an entry in ClinVar:

ClinVar aggregate classification (germline): Conflicting classifications of pathogenicity. Review status: criteria provided, conflicting classifications (1 of 4 stars). 3 submissions from 2 submitters: Uncertain significance (1); Benign (1); Likely benign (1). Last evaluated 2022-04-18.

Conditions:
Autosomal dominant nonsyndromic hearing loss 17. Also called: Autosomal dominant nonsyndromic deafness 17; Deafness, autosomal dominant 17. Identifiers: Orphanet 90635, MedGen C1863659, MONDO:0011350, OMIM 603622.
MYH9-related disorder. Identifiers: MedGen C1854520.

Allele frequency attached by ClinVar (database versions not stated): gnomAD exomes 0.00001 and 0.00002; ExAC 0.00004.
gnomAD v4.1: 18 of 1,608,604 alleles (0.0011%); highest among the groups gnomAD compares: Non-Finnish European, 0.0014%; no homozygotes.

Submissions (3):

Labcorp Genetics (formerly Invitae), Labcorp
Classification: Likely benign. Last evaluated: 2022-04-18. Review status: criteria provided, single submitter. Criteria: Invitae Variant Classification Sherloc (09022015). Collection method: clinical testing. Allele origin: germline.

Illumina Laboratory Services, Illumina
Classification: Uncertain significance for Autosomal dominant nonsyndromic hearing loss 17. Last evaluated: 2018-01-12. Review status: criteria provided, single submitter. Criteria: ICSL Variant Classification Criteria 13 December 2019. Collection method: clinical testing. Allele origin: germline.

Illumina Laboratory Services, Illumina
Classification: Benign for MYH9-related disorder. Last evaluated: 2018-01-12. Review status: criteria provided, single submitter. Criteria: ICSL Variant Classification Criteria 13 December 2019. Collection method: clinical testing. Allele origin: germline.
Comment: This variant was observed in the ICSL laboratory as part of a predisposition screen in an ostensibly healthy population. It had not been previously curated by ICSL or reported in the Human Gene Mutation Database (HGMD: prior to June 1st, 2018), and was therefore a candidate for classification through an automated scoring system. Utilizing variant allele frequency, disease prevalence and penetrance estimates, and inheritance mode, an automated score was calculated to assess if this variant is too frequent to cause the disease. Based on the score and internal cut-off values, a variant classified as benign is not then subjected to further curation. The score for this variant resulted in a classification of benign for this disease.

NM_002473.6(MYH9):c.4348C>T (p.Leu1450=)

Gene: MYH9 (myosin heavy chain 9; minus strand). Cytogenetic location: 22q12.3.
Variant type: single nucleotide variant.
Coding change: c.4348C>T on transcript NM_002473.6 (MANE Select); coding-DNA position 4348, C replaced by T.
Protein change: p.Leu1450=; no amino-acid change (leucine 1450 retained).
Molecular consequence: synonymous variant.
Genome position (GRCh38, 1-based): chr22:36,289,294, G>A on the plus strand (C>T on the coding strand, the complement: MYH9 is on the minus strand). VCF-style: chr22-36289294-G-A. GRCh37 (hg19) VCF-style: chr22-36685340-G-A.
Identifiers: ClinVar variation 341503 (VCV000341503.9), dbSNP rs764948348, ClinGen allele CA10209376.